The following is an entry in ClinVar:

ClinVar aggregate classification (germline): Uncertain significance (1 of 4 stars; one submission).

gnomAD v4.1: 1 of 1,611,216 alleles (0.000062%); highest among the groups gnomAD compares: Non-Finnish European, 0.000085%; no homozygotes.

Submission:

GeneDx
Classification: Uncertain significance. Last evaluated: 2026-03-23. Review status: criteria provided, single submitter. Criteria: GeneDx Variant Classification Process June 2021. Collection method: clinical testing. Allele origin: germline.
Comment: Not observed at significant frequency in large population cohorts (gnomAD); In silico analysis supports a deleterious effect on splicing; Has not been previously published as pathogenic or benign to our knowledge

NM_001242896.3(DEPDC5):c.871+3A>G

Gene: DEPDC5 (DEP domain containing 5, GATOR1 subcomplex subunit; plus strand). Cytogenetic location: 22q12.2.
Variant type: single nucleotide variant.
Coding change: c.871+3A>G on transcript NM_001242896.3 (MANE Select); 3 bases into the intron after coding-DNA position 871, A replaced by G.
Molecular consequence: intron variant.
Genome position (GRCh38, 1-based): chr22:31,797,706, A>G. VCF-style: chr22-31797706-A-G. GRCh37 (hg19) VCF-style: chr22-32193692-A-G.
Other names: c.871+3A>G (NM_001364318.2, NM_001136029.4, NM_014662.6 and 7 more transcripts); c.787+3A>G (NM_001369902.1, NM_001369901.1).
Identifiers: ClinVar variation 5017238 (VCV005017238.1).
Genomic context (GRCh38, chr22:31,797,706, plus strand): 5'-GTAACCATTAAAAAACTCTTCATCCAGTATCCAGTGTTGGTGCGACTGGAACAGGCAGGT[A>G]CTGCATTCATGTAATAGATGGTGCGGCGGGGAAAGGAAGTGTAGGAGGGGTCTGGGAGAC-3'